The following is an entry in ClinVar:

NM_004341.5(CAD):c.4669C>G (p.Leu1557Val)

Gene: CAD (carbamoyl-phosphate synthetase 2, aspartate transcarbamylase, and dihydroorotase; plus strand). Cytogenetic location: 2p23.3.
Variant type: single nucleotide variant.
Coding change: c.4669C>G on transcript NM_004341.5 (MANE Select); coding-DNA position 4669, C replaced by G.
Protein change: p.Leu1557Val; replaces leucine 1557 with valine.
Molecular consequence: missense variant.
Genome position (GRCh38, 1-based): chr2:27,237,823, C>G. VCF-style: chr2-27237823-C-G. GRCh37 (hg19) VCF-style: chr2-27460691-C-G.
Other names: c.4480C>G, p.Leu1494Val (NM_001306079.2); short protein forms L1494V, L1557V.
Identifiers: ClinVar variation 1032898 (VCV001032898.8), dbSNP rs199990394, ClinGen allele CA1573605.

ClinVar aggregate classification (germline): Uncertain significance. Review status: criteria provided, multiple submitters, no conflicts (2 of 4 stars). 3 submissions from 3 submitters: Uncertain significance (3). Last evaluated 2025-02-17.

Conditions:
Developmental and epileptic encephalopathy, 50 (DEE50). Also called: Epileptic encephalopathy, early infantile, 50. Identifiers: Orphanet 448010, MedGen C4225320, MONDO:0014647, OMIM 616457.

Allele frequency attached by ClinVar (database versions not stated): TOPMed 0.00028; ESP Exome Variant Server 0.00038.
gnomAD v4.1: 441 of 1,614,076 alleles (0.027%); highest among the groups gnomAD compares: Non-Finnish European, 0.034%; no homozygotes.

Submissions (3):

Greenwood Genetic Center Diagnostic Laboratories, Greenwood Genetic Center
Classification: Uncertain significance. Last evaluated: 2025-02-17. Review status: criteria provided, single submitter. Criteria: ACMG Guidelines, 2015. Collection method: clinical testing. Allele origin: germline.
Comment: PM2, BP4, PP2

Labcorp Genetics (formerly Invitae), Labcorp
Classification: Uncertain significance. Last evaluated: 2022-10-25. Review status: criteria provided, single submitter. Criteria: Invitae Variant Classification Sherloc (09022015). Collection method: clinical testing. Allele origin: germline.
Comment: This sequence change replaces leucine, which is neutral and non-polar, with valine, which is neutral and non-polar, at codon 1557 of the CAD protein (p.Leu1557Val). This variant is present in population databases (rs199990394, gnomAD 0.04%). This variant has not been reported in the literature in individuals affected with CAD-related conditions. ClinVar contains an entry for this variant (Variation ID: 1032898). Algorithms developed to predict the effect of missense changes on protein structure and function are either unavailable or do not agree on the potential impact of this missense change (SIFT: "Deleterious"; PolyPhen-2: "Benign"; Align-GVGD: "Class C0"). In summary, the available evidence is currently insufficient to determine the role of this variant in disease. Therefore, it has been classified as a Variant of Uncertain Significance.

Baylor Genetics
Classification: Uncertain significance for Developmental and epileptic encephalopathy, 50. Last evaluated: 2018-10-05. Review status: criteria provided, single submitter. Criteria: ACMG Guidelines, 2015. Collection method: clinical testing. Allele origin: paternal. Affected: yes.
Comment: This variant was determined to be of uncertain significance according to ACMG Guidelines, 2015 [PMID:25741868].